The following is an entry in ClinVar:

NM_000487.6(ARSA):c.572_573insTGTCTCTTATA (p.Gln192fs)

Gene: ARSA (arylsulfatase A; minus strand). Cytogenetic location: 22q13.33.
Variant type: Insertion.
Coding change: c.572_573insTGTCTCTTATA on transcript NM_000487.6 (MANE Select); coding-DNA positions 572 to 573, TGTCTCTTATA inserted.
Protein change: p.Gln192fs; shifts the reading frame from glutamine 192.
Molecular consequence: frameshift variant.
Genome position: GRCh38 VCF-style: chr22-50626945-C-CTATAAGAGACA. GRCh37 (hg19) VCF-style: chr22-51065373-C-CTATAAGAGACA.
Other names: c.572_573insTGTCTCTTATA, p.Gln192fs (NM_001085425.3, NM_001085426.3, NM_001085427.3); c.314_315insTGTCTCTTATA, p.Gln106fs (NM_001085428.3, NM_001362782.2); short protein forms Q106fs, Q192fs.
Identifiers: ClinVar variation 1725895 (VCV001725895.2), dbSNP rs2518331715, ClinGen allele CA2580099974.

ClinVar aggregate classification (germline): Likely pathogenic (1 of 4 stars; one submission).

Conditions:
Metachromatic leukodystrophy (MLD). Also called: ARSA DEFICIENCY; CEREBROSIDE SULFATASE DEFICIENCY; METACHROMATIC LEUKOENCEPHALOPATHY; SULFATIDE LIPIDOSIS; Cerebral sclerosis diffuse metachromatic form; Arylsulfatase A Deficiency. Identifiers: Orphanet 512, MedGen C0023522, MONDO:0018868, OMIM 250100.

Submission:

Myriad Genetics, Inc.
Classification: Likely pathogenic for Metachromatic leukodystrophy. Last evaluated: 2022-04-07. Review status: criteria provided, single submitter. Criteria: Myriad Women's Health Autosomal Recessive and X-Linked Classification Criteria (2021). Collection method: clinical testing. Allele origin: unknown.
Comment: NM_000487.5(ARSA):c.572_573ins11(Q192Vfs*12) is expected to be pathogenic in the context of metachromatic leukodystrophy. This variant is predicted to lead to an abnormal or absent protein product due to the creation of a premature termination codon in ARSA, a gene where loss-of-function variants are known to be pathogenic. Please note: this variant was assessed in the context of healthy population screening.